The following is an entry in ClinVar:

NM_001080449.3(DNA2):c.2852A>G (p.Asn951Ser)

Gene: DNA2 (DNA replication helicase/nuclease 2; minus strand). Cytogenetic location: 10q21.3.
Variant type: single nucleotide variant.
Coding change: c.2852A>G on transcript NM_001080449.3 (MANE Select); coding-DNA position 2852, A replaced by G.
Protein change: p.Asn951Ser; replaces asparagine 951 with serine.
Molecular consequence: missense variant. On other transcripts: non-coding transcript variant (1).
Genome position (GRCh38, 1-based): chr10:68,419,149, T>C on the plus strand (A>G on the coding strand, the complement: DNA2 is on the minus strand). VCF-style: chr10-68419149-T-C. GRCh37 (hg19) VCF-style: chr10-70178906-T-C.
Other names: short protein forms N951S.
Identifiers: ClinVar variation 2772845 (VCV002772845.3), dbSNP rs748203596, ClinGen allele CA5524719.
Genomic context (GRCh38, chr10:68,419,149, plus strand): 5'-CCTTGGTATTTGTCTACTGTATTAACTTCGACCATCCCAATAGAACGTGCCAATAAATCA[T>C]TGATGATCTTTAATTGCTGCCTGTACGGTGCAATAATACCAATATCAGAGGGACTGCATC-3'
Protein context (NP_001073918.2, residues 941-961): APYRQQLKII[Asn951Ser]DLLARSIGMV

ClinVar aggregate classification (germline): Uncertain significance (1 of 4 stars; one submission).

Allele frequency attached by ClinVar (database versions not stated): gnomAD exomes below 0.00001; ExAC 0.00002.
gnomAD v4.1: 6 of 1,613,432 alleles (0.00037%); highest among the groups gnomAD compares: Admixed American, 0.0033%; no homozygotes.

Submission:

Labcorp Genetics (formerly Invitae), Labcorp
Classification: Uncertain significance. Last evaluated: 2023-12-01. Review status: criteria provided, single submitter. Criteria: Invitae Variant Classification Sherloc (09022015). Collection method: clinical testing. Allele origin: germline.
Comment: This sequence change replaces asparagine, which is neutral and polar, with serine, which is neutral and polar, at codon 951 of the DNA2 protein (p.Asn951Ser). This variant is present in population databases (rs748203596, gnomAD 0.007%). This variant has not been reported in the literature in individuals affected with DNA2-related conditions. Advanced modeling of protein sequence and biophysical properties (such as structural, functional, and spatial information, amino acid conservation, physicochemical variation, residue mobility, and thermodynamic stability) performed at Invitae indicates that this missense variant is not expected to disrupt DNA2 protein function with a negative predictive value of 80%. In summary, the available evidence is currently insufficient to determine the role of this variant in disease. Therefore, it has been classified as a Variant of Uncertain Significance.